The following is an entry in ClinVar:

ClinVar aggregate classification (germline): Uncertain significance. Review status: criteria provided, multiple submitters, no conflicts (2 of 4 stars). 2 submissions from 2 submitters: Uncertain significance (2). Last evaluated 2022-05-03.

Conditions:
Inborn genetic diseases. Identifiers: MedGen C0950123, MeSH D030342.

Allele frequency attached by ClinVar (database versions not stated): TOPMed below 0.00001.
gnomAD v4.1: 32 of 1,518,340 alleles (0.0021%); highest among the groups gnomAD compares: Non-Finnish European, 0.0025%; no homozygotes.

Submissions (2):

Labcorp Genetics (formerly Invitae), Labcorp
Classification: Uncertain significance. Last evaluated: 2022-05-03. Review status: criteria provided, single submitter. Criteria: Invitae Variant Classification Sherloc (09022015). Collection method: clinical testing. Allele origin: germline.
Comment: In summary, the available evidence is currently insufficient to determine the role of this variant in disease. Therefore, it has been classified as a Variant of Uncertain Significance. Algorithms developed to predict the effect of missense changes on protein structure and function are either unavailable or do not agree on the potential impact of this missense change (SIFT: "Tolerated"; PolyPhen-2: "Probably Damaging"; Align-GVGD: "Class C0"). This variant has not been reported in the literature in individuals affected with SPEG-related conditions. The frequency data for this variant in the population databases is considered unreliable, as metrics indicate poor data quality at this position in the gnomAD database. This sequence change replaces arginine, which is basic and polar, with histidine, which is basic and polar, at codon 2407 of the SPEG protein (p.Arg2407His).

Ambry Genetics
Classification: Uncertain significance for Inborn genetic diseases. Last evaluated: 2022-04-28. Review status: criteria provided, single submitter. Criteria: Ambry Variant Classification Scheme 2023. Collection method: clinical testing. Allele origin: germline.

NM_005876.5(SPEG):c.7220G>A (p.Arg2407His)

Genes: ASIC4-AS1 (ASIC4 antisense RNA 1; minus strand), SPEG (striated muscle enriched protein kinase; plus strand). Cytogenetic location: 2q35.
Variant type: single nucleotide variant.
Coding change: c.7220G>A on transcript NM_005876.5 (MANE Select); coding-DNA position 7220, G replaced by A.
Protein change: p.Arg2407His; replaces arginine 2407 with histidine.
Molecular consequence: missense variant.
Genome position (GRCh38, 1-based): chr2:219,484,683, G>A. VCF-style: chr2-219484683-G-A. GRCh37 (hg19) VCF-style: chr2-220349405-G-A.
Other names: c.7220G>A (NM_005876.4); short protein forms R2407H.
Identifiers: ClinVar variation 1508048 (VCV001508048.9), dbSNP rs866977146, ClinGen allele CA65992351.